The following is an entry in ClinVar:

ClinVar aggregate classification (germline): Uncertain significance (1 of 4 stars; one submission).

Submission:

Labcorp Genetics (formerly Invitae), Labcorp
Classification: Uncertain significance. Last evaluated: 2024-11-05. Review status: criteria provided, single submitter. Criteria: Invitae Variant Classification Sherloc (09022015). Collection method: clinical testing. Allele origin: germline.
Comment: This sequence change replaces threonine, which is neutral and polar, with serine, which is neutral and polar, at codon 360 of the RNF31 protein (p.Thr360Ser). This variant is not present in population databases (gnomAD no frequency). This variant has not been reported in the literature in individuals affected with RNF31-related conditions. An algorithm developed to predict the effect of missense changes on protein structure and function (PolyPhen-2) suggests that this variant is likely to be disruptive. In summary, the available evidence is currently insufficient to determine the role of this variant in disease. Therefore, it has been classified as a Variant of Uncertain Significance.

NM_017999.5(RNF31):c.1078A>T (p.Thr360Ser)

Gene: RNF31 (ring finger protein 31; plus strand). Cytogenetic location: 14q12.
Variant type: single nucleotide variant.
Coding change: c.1078A>T on transcript NM_017999.5 (MANE Select); coding-DNA position 1078, A replaced by T.
Protein change: p.Thr360Ser; replaces threonine 360 with serine.
Molecular consequence: missense variant.
Genome position (GRCh38, 1-based): chr14:24,150,329, A>T. VCF-style: chr14-24150329-A-T. GRCh37 (hg19) VCF-style: chr14-24619538-A-T.
Other names: c.625A>T, p.Thr209Ser (NM_001310332.2); short protein forms T209S, T360S.
Identifiers: ClinVar variation 3724676 (VCV003724676.2).